The following is an entry in ClinVar:

NC_000022.10:g.(?_36863092)_(36877688_?)dup

Gene: TXN2 (thioredoxin 2; minus strand). Cytogenetic location: 22q12.3.
Variant type: Duplication.
Identifiers: ClinVar variation 2627270 (VCV002627270.2).

ClinVar aggregate classification (germline): Uncertain significance (1 of 4 stars; one submission).

Submission:

Women's Health and Genetics/Laboratory Corporation of America, LabCorp
Classification: Uncertain significance. Last evaluated: 2025-11-11. Review status: criteria provided, single submitter. Criteria: LabCorp Variant Classification Summary - May 2015. Collection method: clinical testing. Allele origin: germline.
Comment: Variant summary: The variant involves the duplication of exons 1-4 in the TXN2 gene. A presumed nomenclature of c.(?_-78)_(*759_?)dup has been designated for the purposes of this classification. This duplication includes the entire coding sequence of the gene. As exact breakpoints are unknown, it may extend beyond the annotated region of the gene, to include other flanking genes. Multiple large duplications are reported which include the TXN2 gene together with other flanking genes in control chromosomes, e.g. a large duplication (size ~176 kbp), which is part of a complex rearrangement (inversion with duplicated regions) is reported at a frequency of 0.00023 in 120778 control chromosomes, predominantly at a frequency of 0.00083 within the African or African-American subpopulation in the gnomAD database, including 3 perceived homozygotes. To our knowledge, no occurrence of c.(?_-78)_(*759_?)dup in individuals affected with TXN2-related conditions and no experimental evidence demonstrating its impact on protein function have been reported. ClinVar contains entries for this variant (Variation IDs: 2627270; 3248116). Inconclusion, although larger duplications which include the entire TXN2 gene are frequently reported in controls, no duplications are reported which include this gene in isolation. Based on the evidence outlined above, the variant was classified as uncertain significance.